The following is an entry in ClinVar:

ClinVar aggregate classification (germline): Likely pathogenic (1 of 4 stars; one submission).

Conditions:
Bethlem myopathy 2 (BTHLM2). Identifiers: Orphanet 536516, Orphanet 610, MedGen C4225313, MONDO:0034022, OMIM 616471.
Ullrich congenital muscular dystrophy 2 (UCMD2). Identifiers: Orphanet 75840, MedGen C4225314, MONDO:0014654, OMIM 616470.

Submission:

Labcorp Genetics (formerly Invitae), Labcorp
Classification: Likely pathogenic for Bethlem myopathy 2; Ullrich congenital muscular dystrophy 2. Last evaluated: 2021-05-03. Review status: criteria provided, single submitter. Criteria: Invitae Variant Classification Sherloc (09022015). Collection method: clinical testing. Allele origin: germline.
Comment: This variant results in the deletion of part of exon 56 (c.8392_8415+5delinsA) of the COL12A1 gene. It is expected to disrupt RNA splicing. Variants that disrupt the donor or acceptor splice site typically lead to a loss of protein function (PMID: 16199547), and loss-of-function variants in COL12A1 are known to be pathogenic (PMID: 24334604, 28973083). This variant is not present in population databases (ExAC no frequency). This variant has not been reported in the literature in individuals with COL12A1-related conditions. Algorithms developed to predict the effect of sequence changes on RNA splicing suggest that this variant may disrupt the consensus splice site, but this prediction has not been confirmed by published transcriptional studies. In summary, the currently available evidence indicates that the variant is pathogenic, but additional data are needed to prove that conclusively. Therefore, this variant has been classified as Likely Pathogenic.

Literature cited by the submitters: PubMed 16199547; PubMed 24334604; PubMed 28973083.

NM_004370.6(COL12A1):c.8393_8415+5del

Gene: COL12A1 (collagen type XII alpha 1 chain; minus strand). Cytogenetic location: 6q13.
Variant type: Deletion.
Coding change: c.8393_8415+5del on transcript NM_004370.6 (MANE Select); coding-DNA position 8393 through 5 bases into the intron after coding-DNA position 8415, 28 bases deleted (GACTCTCTATTCCGGGAGAGCAAGTAAG).
Molecular consequence: splice donor variant.
Genome position (GRCh38, 1-based): chr6:75,102,592-75,102,619, CTTACTTGCTCTCCCGGAATAGAGAGTC deleted on the plus strand (GACTCTCTATTCCGGGAGAGCAAGTAAG on the coding strand, the reverse complement: COL12A1 is on the minus strand); deleting any 28 consecutive bases within chr6:75,102,592-75,102,620 gives the same sequence; the c. name uses the placement nearest the transcript's 3' end. VCF-style (leftmost placement, unchanged base first): chr6-75102591-GCTTACTTGCTCTCCCGGAATAGAGAGTC-G. GRCh37 (hg19) VCF-style: chr6-75812307-GCTTACTTGCTCTCCCGGAATAGAGAGTC-G.
Other names: c.4901_4923+5del (NM_080645.3).
Identifiers: ClinVar variation 1473846 (VCV001473846.1), dbSNP rs2149344192, ClinGen allele CA2573141216.